The following is an entry in ClinVar:

NM_015378.4(VPS13D):c.10450G>A (p.Asp3484Asn)

Gene: VPS13D (vacuolar protein sorting 13 homolog D; plus strand). Cytogenetic location: 1p36.22.
Variant type: single nucleotide variant.
Coding change: c.10450G>A on transcript NM_015378.4 (MANE Select); coding-DNA position 10450, G replaced by A.
Protein change: p.Asp3484Asn; replaces aspartic acid 3484 with asparagine.
Molecular consequence: missense variant.
Genome position (GRCh38, 1-based): chr1:12,368,469, G>A. VCF-style: chr1-12368469-G-A. GRCh37 (hg19) VCF-style: chr1-12428524-G-A.
Other names: c.10375G>A, p.Asp3459Asn (NM_018156.4); short protein forms D3459N, D3484N.
Identifiers: ClinVar variation 1970530 (VCV001970530.5), dbSNP rs1208500294, ClinGen allele CA338498068.
Genomic context (GRCh38, chr1:12,368,469, plus strand): 5'-GTGGATGGCATCTTGTCTCCTACATTTTATGTAGCCTCTTTTGTTTCCTTGTCCTGCAGG[G>A]ATACCTTGGGAAAATGCTTCTTCCTACGAGTGGAAATTACTCTCCGAGGAGCTACGTATA-3'
Protein context (NP_056193.2, residues 3474-3494): KNNSFHINMR[Asp3484Asn]TLGKCFFLRV

ClinVar aggregate classification (germline): Uncertain significance (1 of 4 stars; one submission).

Allele frequency attached by ClinVar (database versions not stated): gnomAD 0.00001.
gnomAD v4.1: 1 of 1,610,754 alleles (0.000062%); highest among the groups gnomAD compares: African/African-American, 0.0013%; no homozygotes.

Submission:

Labcorp Genetics (formerly Invitae), Labcorp
Classification: Uncertain significance. Last evaluated: 2023-05-22. Review status: criteria provided, single submitter. Criteria: Invitae Variant Classification Sherloc (09022015). Collection method: clinical testing. Allele origin: germline.
Comment: In summary, the available evidence is currently insufficient to determine the role of this variant in disease. Therefore, it has been classified as a Variant of Uncertain Significance. An algorithm developed to predict the effect of missense changes on protein structure and function (PolyPhen-2) suggests that this variant is likely to be disruptive. ClinVar contains an entry for this variant (Variation ID: 1970530). This variant has not been reported in the literature in individuals affected with VPS13D-related conditions. This variant is present in population databases (no rsID available, gnomAD 0.0009%). This sequence change replaces aspartic acid, which is acidic and polar, with asparagine, which is neutral and polar, at codon 3484 of the VPS13D protein (p.Asp3484Asn).